The following is an entry in ClinVar:

ClinVar aggregate classification (germline): Uncertain significance. Review status: criteria provided, multiple submitters, no conflicts (2 of 4 stars). 3 submissions from 3 submitters: Uncertain significance (3). Last evaluated 2025-03-03.

Conditions:
Charcot-Marie-Tooth disease, type I (CMT1). Also called: Charcot-Marie-Tooth, Type 1; Charcot-Marie-Tooth disease type 1. Identifiers: Orphanet 65753, MedGen C0751036, MONDO:0019011.

Allele frequency attached by ClinVar (database versions not stated): gnomAD exomes below 0.00001; TOPMed below 0.00001.
gnomAD v4.1: 3 of 1,614,158 alleles (0.00019%); highest among the groups gnomAD compares: Middle Eastern, 0.016%; no homozygotes.

Submissions (3):

Labcorp Genetics (formerly Invitae), Labcorp
Classification: Uncertain significance for Charcot-Marie-Tooth disease, type I. Last evaluated: 2025-03-03. Review status: criteria provided, single submitter. Criteria: Invitae Variant Classification Sherloc (09022015). Collection method: clinical testing. Allele origin: germline.
Comment: This sequence change replaces glycine, which is neutral and non-polar, with serine, which is neutral and polar, at codon 94 of the PMP22 protein (p.Gly94Ser). This variant is present in population databases (no rsID available, gnomAD 0.0009%). This variant has not been reported in the literature in individuals affected with PMP22-related conditions. ClinVar contains an entry for this variant (Variation ID: 2504991). Invitae Evidence Modeling of protein sequence and biophysical properties (such as structural, functional, and spatial information, amino acid conservation, physicochemical variation, residue mobility, and thermodynamic stability) indicates that this missense variant is expected to disrupt PMP22 protein function with a positive predictive value of 95%. In summary, the available evidence is currently insufficient to determine the role of this variant in disease. Therefore, it has been classified as a Variant of Uncertain Significance.

GeneDx
Classification: Uncertain significance. Last evaluated: 2022-12-06. Review status: criteria provided, single submitter. Criteria: GeneDx Variant Classification Process June 2021. Collection method: clinical testing. Allele origin: germline. Affected: yes.
Comment: In silico analysis supports that this missense variant does not alter protein structure/function; Has not been previously published as pathogenic or benign to our knowledge

Blueprint Genetics
Classification: Uncertain significance. Last evaluated: 2018-11-22. Review status: criteria provided, single submitter. Criteria: ACMG Guidelines, 2015. Collection method: clinical testing. Allele origin: germline.

NM_000304.4(PMP22):c.280G>A (p.Gly94Ser)

Gene: PMP22 (peripheral myelin protein 22; minus strand). Cytogenetic location: 17p12.
Variant type: single nucleotide variant.
Coding change: c.280G>A on transcript NM_000304.4 (MANE Select); coding-DNA position 280, G replaced by A.
Protein change: p.Gly94Ser; replaces glycine 94 with serine.
Molecular consequence: missense variant. On other transcripts: non-coding transcript variant (2).
Genome position (GRCh38, 1-based): chr17:15,239,510, C>T on the plus strand (G>A on the coding strand, the complement: PMP22 is on the minus strand). VCF-style: chr17-15239510-C-T. GRCh37 (hg19) VCF-style: chr17-15142827-C-T.
Other names: c.280G>A, p.Gly94Ser (NM_001281455.2, NM_001281456.2, NM_001330143.2 and 2 more transcripts); short protein forms G94S.
Identifiers: ClinVar variation 2504991 (VCV002504991.3), dbSNP rs1335714957, ClinGen allele CA398267486.